The following is an entry in ClinVar:

NM_001048174.2(MUTYH):c.914-3C>T

Gene: MUTYH (mutY DNA glycosylase; minus strand). Cytogenetic location: 1p34.1.
Variant type: single nucleotide variant.
Coding change: c.914-3C>T on transcript NM_001048174.2 (MANE Select); 3 bases into the intron before coding-DNA position 914, C replaced by T.
Molecular consequence: intron variant.
Genome position (GRCh38, 1-based): chr1:45,331,852, G>A on the plus strand (C>T on the coding strand, the complement: MUTYH is on the minus strand). VCF-style: chr1-45331852-G-A. GRCh37 (hg19) VCF-style: chr1-45797524-G-A.
Other names: c.569-3C>T (NM_001350651.2, NM_001350650.2); c.638-3C>T (NM_001293192.2, NM_001293196.2); c.914-3C>T (NM_001048171.2, NM_001048173.2, NM_001293195.2); c.959-3C>T (NM_001293190.2); c.989-3C>T (NM_012222.3); c.998-3C>T (NM_001128425.2); c.917-3C>T (NM_001048172.2); c.947-3C>T (NM_001293191.2).
Identifiers: ClinVar variation 1768803 (VCV001768803.5), dbSNP rs764624847, ClinGen allele CA060003.

ClinVar aggregate classification (germline): Uncertain significance. Review status: criteria provided, multiple submitters, no conflicts (2 of 4 stars). 2 submissions from 2 submitters: Uncertain significance (2). Last evaluated 2024-01-10.

Conditions:
Hereditary cancer-predisposing syndrome. Also called: Hereditary Cancer Syndrome; Hereditary neoplastic syndrome; Neoplastic Syndromes, Hereditary; Tumor predisposition. Identifiers: Orphanet 140162, MedGen C0027672, MeSH D009386, MONDO:0015356.
Familial adenomatous polyposis 2. Also called: MUTYH-associated polyposis; MUTYH-related attenuated familial adenomatous polyposis; FAP type 2; Adenomas, multiple colorectal; MYH-associated polyposis; MUTYH Polyposis. Identifiers: Orphanet 220460, Orphanet 247798, MedGen C3272841, MONDO:0012041, OMIM 608456.

Allele frequency attached by ClinVar (database versions not stated): gnomAD exomes below 0.00001; ExAC 0.00001.
gnomAD v4.1: 1 of 1,600,686 alleles (0.000062%); highest among the groups gnomAD compares: South Asian, 0.0011%; no homozygotes.

Submissions (2):

Labcorp Genetics (formerly Invitae), Labcorp
Classification: Uncertain significance for Familial adenomatous polyposis 2. Last evaluated: 2024-01-10. Review status: criteria provided, single submitter. Criteria: Invitae Variant Classification Sherloc (09022015). Collection method: clinical testing. Allele origin: germline.
Comment: This sequence change falls in intron 11 of the MUTYH gene. It does not directly change the encoded amino acid sequence of the MUTYH protein. It affects a nucleotide within the consensus splice site. The frequency data for this variant in the population databases is considered unreliable, as metrics indicate poor data quality at this position in the gnomAD database. This variant has not been reported in the literature in individuals affected with MUTYH-related conditions. ClinVar contains an entry for this variant (Variation ID: 1768803). Variants that disrupt the consensus splice site are a relatively common cause of aberrant splicing (PMID: 17576681, 9536098). Algorithms developed to predict the effect of sequence changes on RNA splicing suggest that this variant is not likely to affect RNA splicing. In summary, the available evidence is currently insufficient to determine the role of this variant in disease. Therefore, it has been classified as a Variant of Uncertain Significance.

Ambry Genetics
Classification: Uncertain significance for Hereditary cancer-predisposing syndrome. Last evaluated: 2021-10-27. Review status: criteria provided, single submitter. Criteria: Ambry Variant Classification Scheme 2023. Collection method: clinical testing. Allele origin: germline.
Comment: The c.998-3C>T intronic variant results from a C to T substitution 3 nucleotides upstream from coding exon 12 in the MUTYH gene. This nucleotide position is well conserved in available vertebrate species. In silico splice site analysis predicts that this alteration will not have any significant effect on splicing. Since supporting evidence is limited at this time, the clinical significance of this alteration remains unclear.

Literature cited by the submitters: PubMed 17576681 (cited by Labcorp Genetics (formerly Invitae), Labcorp); PubMed 9536098 (cited by Labcorp Genetics (formerly Invitae), Labcorp).